The following is an entry in ClinVar:

ClinVar aggregate classification (germline): Benign/Likely benign. Review status: criteria provided, multiple submitters, no conflicts (2 of 4 stars). 5 submissions from 5 submitters: Benign (3); Likely benign (2). Last evaluated 2026-02-03.

Conditions:
Capillary malformation-arteriovenous malformation syndrome. Also called: Capillary malformation-arteriovenous malformation. Identifiers: Orphanet 137667, MedGen C1842180, MONDO:0012016.
Capillary malformation-arteriovenous malformation 1 (CMAVM1). Identifiers: Orphanet 137667, Orphanet 693907, MedGen C4747394, MONDO:0020783, OMIM 608354.

Allele frequency attached by ClinVar (database versions not stated): ExAC 0.00079; TOPMed 0.00304; gnomAD exomes 0.00066; ESP Exome Variant Server 0.00138; gnomAD 0.00255 and 0.00276; 1000 Genomes Project 0.00379; 1000 Genomes Project 30x 0.00406.
gnomAD v4.1: 798 of 1,610,874 alleles (0.05%); highest among the groups gnomAD compares: African/African-American, 0.95%; 1 homozygote.

Submissions (7):

Labcorp Genetics (formerly Invitae), Labcorp
Classification: Benign for Capillary malformation-arteriovenous malformation syndrome. Last evaluated: 2026-02-03. Review status: criteria provided, single submitter. Criteria: Invitae Variant Classification Sherloc (09022015). Collection method: clinical testing. Allele origin: germline.

ARUP Laboratories, Molecular Genetics and Genomics, ARUP Laboratories
Classification: Benign. Last evaluated: 2025-03-20. Review status: criteria provided, single submitter. Criteria: ARUP Molecular Germline Variant Investigation Process 2024. Collection method: clinical testing. Allele origin: germline.

Blueprint Genetics
Classification: Likely benign. Last evaluated: 2024-10-18. Review status: criteria provided, single submitter. Criteria: ACMG Guidelines, 2015. Collection method: clinical testing. Allele origin: germline.

CeGaT Center for Human Genetics Tuebingen
Classification: Likely benign. Last evaluated: 2022-12-01. Review status: criteria provided, single submitter. Criteria: CeGaT Center For Human Genetics Tuebingen Variant Classification Criteria Version 2. Collection method: clinical testing. Allele origin: germline. Affected: yes. Observed: 1 variant allele.
Comment: RASA1: BS1

Illumina Laboratory Services, Illumina
Classification: Benign for Capillary malformation-arteriovenous malformation 1. Last evaluated: 2018-01-13. Review status: criteria provided, single submitter. Criteria: ICSL Variant Classification Criteria 13 December 2019. Collection method: clinical testing. Allele origin: germline.
Comment: This variant was observed in the ICSL laboratory as part of a predisposition screen in an ostensibly healthy population. It had not been previously curated by ICSL or reported in the Human Gene Mutation Database (HGMD: prior to June 1st, 2018), and was therefore a candidate for classification through an automated scoring system. Utilizing variant allele frequency, disease prevalence and penetrance estimates, and inheritance mode, an automated score was calculated to assess if this variant is too frequent to cause the disease. Based on the score and internal cut-off values, a variant classified as benign is not then subjected to further curation. The score for this variant resulted in a classification of benign for this disease.

Dr. Peter K. Rogan Lab, Western University
No classification provided (evidence only). Condition: Familial cancer of breast. Review status: no classification provided. Collection method: in vitro. Allele origin: not applicable. Functional consequence: retained intron. Not counted in ClinVar's aggregate classification.

Dr. Peter K. Rogan Lab, Western University
No classification provided (evidence only). Condition: Thymoma. Review status: no classification provided. Collection method: in vitro. Allele origin: not applicable. Functional consequence: retained intron. Not counted in ClinVar's aggregate classification.

NM_002890.3(RASA1):c.829-12T>A

Genes: CCNH (cyclin H; minus strand), RASA1 (RAS p21 protein activator 1; plus strand). Cytogenetic location: 5q14.3.
Variant type: single nucleotide variant.
Coding change: c.829-12T>A on transcript NM_002890.3 (MANE Select); 12 bases into the intron before coding-DNA position 829, T replaced by A.
Molecular consequence: intron variant.
Genome position (GRCh38, 1-based): chr5:87,333,255, T>A. VCF-style: chr5-87333255-T-A. GRCh37 (hg19) VCF-style: chr5-86629072-T-A.
Other names: c.298-12T>A (NM_022650.3); c.934-20460A>T (NM_001364075.2).
Identifiers: ClinVar variation 354512 (VCV000354512.40), dbSNP rs187379673, ClinGen allele CA3335577.
Genomic context (GRCh38, chr5:87,333,255, plus strand): 5'-GTGGATATACCTCTTTTGACTTTAAGATAAAAAGACTATCTTTTTAAATCTTTTTTTTTT[T>A]ATGGTTTCTAGCCAGTAGAAGATAGAAGGCGTGTACGAGCTATTCTACCTTACACAAAAG-3'